The following is an entry in ClinVar:

ClinVar aggregate classification (germline): Likely benign. Review status: criteria provided, multiple submitters, no conflicts (2 of 4 stars). 4 submissions from 4 submitters: Likely benign (4). Last evaluated 2026-05-18.

Conditions:
IGHMBP2-related disorder. Also called: IGHMBP2-related condition; IGHMBP2-related disorders.
Inborn genetic diseases. Identifiers: MedGen C0950123, MeSH D030342.
Charcot-Marie-Tooth disease axonal type 2S. Also called: CHARCOT-MARIE-TOOTH DISEASE, AXONAL, AUTOSOMAL RECESSIVE, TYPE 2S; CHARCOT-MARIE-TOOTH NEUROPATHY, TYPE 2S. Identifiers: Orphanet 443073, MedGen C4015349, MONDO:0014511, OMIM 616155.
Autosomal recessive distal spinal muscular atrophy 1. Also called: HMN VI; SPINAL MUSCULAR ATROPHY, DIAPHRAGMATIC; Spinal muscular atrophy with respiratory distress 1; NEURONOPATHY, SEVERE INFANTILE AXONAL, WITH RESPIRATORY FAILURE; SEVERE INFANTILE AXONAL NEUROPATHY WITH RESPIRATORY FAILURE; NEURONOPATHY, DISTAL HEREDITARY MOTOR, HARDING TYPE VI. Identifiers: Orphanet 98920, MedGen C1858517, MONDO:0011436, OMIM 604320.

Allele frequency attached by ClinVar (database versions not stated): TOPMed 0.00003; ExAC 0.00008.
gnomAD v4.1: 8 of 1,611,562 alleles (0.0005%); highest among the groups gnomAD compares: Admixed American, 0.0084%; no homozygotes.

Submissions (4):

PreventionGenetics, part of Exact Sciences
Classification: Likely benign for IGHMBP2-related condition. Last evaluated: 2026-05-18. Review status: criteria provided, single submitter. Criteria: ACMG Guidelines, 2015. Collection method: clinical testing. Allele origin: germline.
Comment: This variant is classified as likely benign based on ACMG/AMP sequence variant interpretation guidelines (Richards et al. 2015 PMID: 25741868, with internal and published modifications).

Labcorp Genetics (formerly Invitae), Labcorp
Classification: Likely benign for Autosomal recessive distal spinal muscular atrophy 1; Charcot-Marie-Tooth disease axonal type 2S. Last evaluated: 2023-10-13. Review status: criteria provided, single submitter. Criteria: Invitae Variant Classification Sherloc (09022015). Collection method: clinical testing. Allele origin: germline.

GeneDx
Classification: Likely benign. Last evaluated: 2020-10-09. Review status: criteria provided, single submitter. Criteria: GeneDx Variant Classification Process June 2021. Collection method: clinical testing. Allele origin: germline. Affected: yes.

Ambry Genetics
Classification: Likely benign for Inborn genetic diseases. Last evaluated: 2019-07-11. Review status: criteria provided, single submitter. Criteria: Ambry Variant Classification Scheme 2023. Collection method: clinical testing. Allele origin: germline.

NM_002180.3(IGHMBP2):c.2394G>C (p.Gly798=)

Gene: IGHMBP2 (immunoglobulin mu DNA binding protein 2; plus strand). Cytogenetic location: 11q13.3.
Variant type: single nucleotide variant.
Coding change: c.2394G>C on transcript NM_002180.3 (MANE Select); coding-DNA position 2394, G replaced by C.
Protein change: p.Gly798=; no amino-acid change (glycine 798 retained).
Molecular consequence: synonymous variant.
Genome position (GRCh38, 1-based): chr11:68,936,874, G>C. VCF-style: chr11-68936874-G-C. GRCh37 (hg19) VCF-style: chr11-68704342-G-C.
Identifiers: ClinVar variation 517688 (VCV000517688.15), dbSNP rs757779436, ClinGen allele CA6153903.